The following is an entry in ClinVar:

NM_020232.5(PSMG2):c.440T>C (p.Met147Thr)

Gene: PSMG2 (proteasome assembly chaperone 2; plus strand). Cytogenetic location: 18p11.21.
Variant type: single nucleotide variant.
Coding change: c.440T>C on transcript NM_020232.5 (MANE Select); coding-DNA position 440, T replaced by C.
Protein change: p.Met147Thr; replaces methionine 147 with threonine.
Molecular consequence: missense variant.
Genome position (GRCh38, 1-based): chr18:12,720,542, T>C. VCF-style: chr18-12720542-T-C. GRCh37 (hg19) VCF-style: chr18-12720541-T-C.
Other names: c.347T>C, p.Met116Thr (NM_147163.2); short protein forms M147T, M116T.
Identifiers: ClinVar variation 3690272 (VCV003690272.2).
Genomic context (GRCh38, chr18:12,720,542, plus strand): 5'-AAAAAGTTAACTATATGATTATTTCTAGTACTCCCTTCCGGTACCTACTTACACCTTCCA[T>C]GCAAAAAAGTGTTCAAAATAAAATAAAGAGCCTTAACTGGGAAGAAATGGAAAAAAGCCG-3'
Protein context (NP_064617.2, residues 137-157): TPFRYLLTPS[Met147Thr]QKSVQNKIKS

ClinVar aggregate classification (germline): Uncertain significance (1 of 4 stars; one submission).

Submission:

Labcorp Genetics (formerly Invitae), Labcorp
Classification: Uncertain significance. Last evaluated: 2024-07-04. Review status: criteria provided, single submitter. Criteria: Invitae Variant Classification Sherloc (09022015). Collection method: clinical testing. Allele origin: germline.
Comment: This sequence change replaces methionine, which is neutral and non-polar, with threonine, which is neutral and polar, at codon 147 of the PSMG2 protein (p.Met147Thr). This variant is not present in population databases (gnomAD no frequency). This variant has not been reported in the literature in individuals affected with PSMG2-related conditions. Algorithms developed to predict the effect of missense changes on protein structure and function output the following: SIFT: "Not Available"; PolyPhen-2: "Benign"; Align-GVGD: "Not Available". The threonine amino acid residue is found in multiple mammalian species, which suggests that this missense change does not adversely affect protein function. In summary, the available evidence is currently insufficient to determine the role of this variant in disease. Therefore, it has been classified as a Variant of Uncertain Significance.